The following is an entry in ClinVar:

ClinVar aggregate classification (germline): Uncertain significance. Review status: criteria provided, multiple submitters, no conflicts (2 of 4 stars). 3 submissions from 3 submitters: Uncertain significance (3). Last evaluated 2025-08-25.

Conditions:
Inborn genetic diseases. Identifiers: MedGen C0950123, MeSH D030342.

Allele frequency attached by ClinVar (database versions not stated): ExAC 0.00001; gnomAD exomes 0.00001 and 0.00002.

Submissions (3):

Ambry Genetics
Classification: Uncertain significance for Inborn genetic diseases. Last evaluated: 2025-08-25. Review status: criteria provided, single submitter. Criteria: Ambry Variant Classification Scheme 2023. Collection method: clinical testing. Allele origin: germline.

Labcorp Genetics (formerly Invitae), Labcorp
Classification: Uncertain significance. Last evaluated: 2021-09-01. Review status: criteria provided, single submitter. Criteria: Invitae Variant Classification Sherloc (09022015). Collection method: clinical testing. Allele origin: germline.
Comment: This sequence change replaces glycine with serine at codon 206 of the CANT1 protein (p.Gly206Ser). The glycine residue is highly conserved and there is a small physicochemical difference between glycine and serine. This variant is present in population databases (rs764662231, ExAC 0.002%). This variant has not been reported in the literature in individuals affected with CANT1-related conditions. Algorithms developed to predict the effect of missense changes on protein structure and function (SIFT, PolyPhen-2, Align-GVGD) all suggest that this variant is likely to be disruptive. Algorithms developed to predict the effect of sequence changes on RNA splicing suggest that this variant may create or strengthen a splice site. In summary, the available evidence is currently insufficient to determine the role of this variant in disease. Therefore, it has been classified as a Variant of Uncertain Significance.

Blueprint Genetics
Classification: Uncertain significance. Last evaluated: 2020-10-16. Review status: criteria provided, single submitter. Criteria: ACMG Guidelines, 2015. Collection method: clinical testing. Allele origin: germline.

NM_001159773.2(CANT1):c.616G>A (p.Gly206Ser)

Gene: CANT1 (calcium activated nucleotidase 1; minus strand). Cytogenetic location: 17q25.3.
Variant type: single nucleotide variant.
Coding change: c.616G>A on transcript NM_001159773.2 (MANE Select); coding-DNA position 616, G replaced by A.
Protein change: p.Gly206Ser; replaces glycine 206 with serine.
Molecular consequence: missense variant.
Genome position (GRCh38, 1-based): chr17:78,997,007, C>T on the plus strand (G>A on the coding strand, the complement: CANT1 is on the minus strand). VCF-style: chr17-78997007-C-T. GRCh37 (hg19) VCF-style: chr17-76993089-C-T.
Other names: c.616G>A (NM_138793.3); c.616G>A, p.Gly206Ser (NM_001159772.2, NM_138793.4); short protein forms G206S.
Identifiers: ClinVar variation 1361919 (VCV001361919.7), dbSNP rs764662231, ClinGen allele CA8808691.